The following is an entry in ClinVar:

ClinVar aggregate classification (germline): Uncertain significance (1 of 4 stars; one submission).

Conditions:
Hereditary cancer-predisposing syndrome. Also called: Neoplastic Syndromes, Hereditary; Tumor predisposition; Hereditary Cancer Syndrome; Hereditary neoplastic syndrome. Identifiers: Orphanet 140162, MedGen C0027672, MeSH D009386, MONDO:0015356.

gnomAD v4.1: 1 of 1,614,148 alleles (0.000062%); highest among the groups gnomAD compares: Non-Finnish European, 0.000085%; no homozygotes.

Submission:

Ambry Genetics
Classification: Uncertain significance for Hereditary cancer-predisposing syndrome. Last evaluated: 2026-03-23. Review status: criteria provided, single submitter. Criteria: Ambry Variant Classification Scheme 2023. Collection method: clinical testing. Allele origin: germline.
Comment: The p.S1614I variant (also known as c.4841G>T), located in coding exon 29 of the ALK gene, results from a G to T substitution at nucleotide position 4841. The serine at codon 1614 is replaced by isoleucine, an amino acid with dissimilar properties. This amino acid position is conserved. In addition, this alteration is predicted to be tolerated by in silico analysis. Based on the available evidence, the clinical significance of this variant remains unclear.

NM_004304.5(ALK):c.4841G>T (p.Ser1614Ile)

Gene: ALK (ALK receptor tyrosine kinase; minus strand). Cytogenetic location: 2p23.2.
Variant type: single nucleotide variant.
Coding change: c.4841G>T on transcript NM_004304.5 (MANE Select); coding-DNA position 4841, G replaced by T.
Protein change: p.Ser1614Ile; replaces serine 1614 with isoleucine.
Molecular consequence: missense variant.
Genome position (GRCh38, 1-based): chr2:29,193,246, C>A on the plus strand (G>T on the coding strand, the complement: ALK is on the minus strand). VCF-style: chr2-29193246-C-A. GRCh37 (hg19) VCF-style: chr2-29416112-C-A.
Other names: c.1637G>T, p.Ser546Ile (NM_001353765.2); short protein forms S1614I, S546I.
Identifiers: ClinVar variation 4869918 (VCV004869918.1).